The following is an entry in ClinVar:

ClinVar aggregate classification (germline): Benign. Review status: criteria provided, multiple submitters, no conflicts (2 of 4 stars). 2 submissions from 2 submitters: Benign (2). Last evaluated 2018-06-19.

Allele frequency attached by ClinVar (database versions not stated): gnomAD exomes 0.48653; gnomAD 0.53186 and 0.53509; 1000 Genomes Project 0.54093; TOPMed 0.54858; 1000 Genomes Project 30x 0.54950.
gnomAD v4.1: 359,004 of 722,562 alleles (50%); highest among the groups gnomAD compares: Admixed American, 66%; 91,505 homozygotes.

Submissions (2):

GeneDx
Classification: Benign. Last evaluated: 2018-06-19. Review status: criteria provided, single submitter. Criteria: GeneDx Variant Classification (06012015). Collection method: clinical testing. Allele origin: germline. Affected: yes.
Comment: This variant is considered likely benign or benign based on one or more of the following criteria: it is a conservative change, it occurs at a poorly conserved position in the protein, it is predicted to be benign by multiple in silico algorithms, and/or has population frequency not consistent with disease.

Breakthrough Genomics
Classification: Benign. Review status: criteria provided, single submitter. Criteria: ACMG Guidelines, 2015. Collection method: not provided. Allele origin: germline. Inheritance: Autosomal recessive inheritance. Affected: yes.

NM_005908.4(MANBA):c.2015-147C>G

Gene: MANBA (mannosidase beta; minus strand). Cytogenetic location: 4q24.
Variant type: single nucleotide variant.
Coding change: c.2015-147C>G on transcript NM_005908.4 (MANE Select); 147 bases into the intron before coding-DNA position 2015, C replaced by G.
Molecular consequence: intron variant.
Genome position (GRCh38, 1-based): chr4:102,636,154, G>C on the plus strand (C>G on the coding strand, the complement: MANBA is on the minus strand). VCF-style: chr4-102636154-G-C. GRCh37 (hg19) VCF-style: chr4-103557311-G-C.
Identifiers: ClinVar variation 667468 (VCV000667468.2), dbSNP rs4496586, ClinGen allele CA11695955.